The following is an entry in ClinVar:

NM_006982.3(ALX1):c.357T>A (p.Leu119=)

Gene: ALX1 (ALX homeobox 1; plus strand). Cytogenetic location: 12q21.31.
Variant type: single nucleotide variant.
Coding change: c.357T>A on transcript NM_006982.3 (MANE Select); coding-DNA position 357, T replaced by A.
Protein change: p.Leu119=; no amino-acid change (leucine 119 retained).
Molecular consequence: synonymous variant.
Genome position (GRCh38, 1-based): chr12:85,283,702, T>A. VCF-style: chr12-85283702-T-A. GRCh37 (hg19) VCF-style: chr12-85677480-T-A.
Identifiers: ClinVar variation 718080 (VCV000718080.11), dbSNP rs141779263, ClinGen allele CA6709516.

ClinVar aggregate classification (germline): Likely benign. Review status: criteria provided, multiple submitters, no conflicts (2 of 4 stars). 3 submissions from 3 submitters: Likely benign (2). 1 of the submissions does not count toward it. Last evaluated 2025-11-03.

Conditions:
ALX1-related disorder. Also called: ALX1-related condition.

Allele frequency attached by ClinVar (database versions not stated): ExAC 0.00047; gnomAD exomes 0.00048 and 0.00064; gnomAD 0.00053 and 0.00054; TOPMed 0.00054; ESP Exome Variant Server 0.00062; 1000 Genomes Project 30x 0.00078; 1000 Genomes Project 0.00080.

Submissions (3):

Labcorp Genetics (formerly Invitae), Labcorp
Classification: Likely benign. Last evaluated: 2025-11-03. Review status: criteria provided, single submitter. Criteria: Invitae Variant Classification Sherloc (09022015). Collection method: clinical testing. Allele origin: germline.

Blueprint Genetics
Classification: Likely benign. Last evaluated: 2024-10-24. Review status: criteria provided, single submitter. Criteria: ACMG Guidelines, 2015. Collection method: clinical testing. Allele origin: germline.

PreventionGenetics, part of Exact Sciences
Classification: Likely benign for ALX1-related condition. Last evaluated: 2019-08-05. Review status: no assertion criteria provided. Collection method: clinical testing. Allele origin: germline. Not counted in ClinVar's aggregate classification.
Comment: This variant is classified as likely benign based on ACMG/AMP sequence variant interpretation guidelines (Richards et al. 2015 PMID: 25741868, with internal and published modifications).